The following is an entry in ClinVar:

NM_005477.3(HCN4):c.539A>C (p.Glu180Ala)

Gene: HCN4 (hyperpolarization activated cyclic nucleotide gated potassium channel 4; minus strand). Cytogenetic location: 15q24.1.
Variant type: single nucleotide variant.
Coding change: c.539A>C on transcript NM_005477.3 (MANE Select); coding-DNA position 539, A replaced by C.
Protein change: p.Glu180Ala; replaces glutamic acid 180 with alanine.
Molecular consequence: missense variant.
Genome position (GRCh38, 1-based): chr15:73,367,732, T>G on the plus strand (A>C on the coding strand, the complement: HCN4 is on the minus strand). VCF-style: chr15-73367732-T-G. GRCh37 (hg19) VCF-style: chr15-73660073-T-G.
Other names: c.539A>C (NM_005477.2); short protein forms E180A.
Identifiers: ClinVar variation 1016325 (VCV001016325.7), dbSNP rs779906361, ClinGen allele CA7649466.

ClinVar aggregate classification (germline): Uncertain significance. Review status: criteria provided, multiple submitters, no conflicts (2 of 4 stars). 2 submissions from 2 submitters: Uncertain significance (2). Last evaluated 2025-02-21.

Conditions:
Brugada syndrome 8 (BRGDA8). Identifiers: Orphanet 130, MedGen C2751083, MONDO:0013148, OMIM 613123.
Cardiovascular phenotype. Identifiers: MedGen CN230736.

Allele frequency attached by ClinVar (database versions not stated): ExAC 0.00001; gnomAD exomes 0.00001; TOPMed 0.00002.
gnomAD v4.1: 4 of 1,589,882 alleles (0.00025%); highest among the groups gnomAD compares: Admixed American, 0.0017%; no homozygotes.

Submissions (2):

Ambry Genetics
Classification: Uncertain significance for Cardiovascular phenotype. Last evaluated: 2025-02-21. Review status: criteria provided, single submitter. Criteria: Ambry Variant Classification Scheme 2023. Collection method: clinical testing. Allele origin: germline.
Comment: The p.E180A variant (also known as c.539A>C), located in coding exon 1 of the HCN4 gene, results from an A to C substitution at nucleotide position 539. The glutamic acid at codon 180 is replaced by alanine, an amino acid with dissimilar properties. This amino acid position is highly conserved in available vertebrate species. In addition, the in silico prediction for this alteration is inconclusive. Based on the available evidence, the clinical significance of this variant remains unclear.

Labcorp Genetics (formerly Invitae), Labcorp
Classification: Uncertain significance for Brugada syndrome 8. Last evaluated: 2023-07-31. Review status: criteria provided, single submitter. Criteria: Invitae Variant Classification Sherloc (09022015). Collection method: clinical testing. Allele origin: germline.
Comment: This sequence change replaces glutamic acid, which is acidic and polar, with alanine, which is neutral and non-polar, at codon 180 of the HCN4 protein (p.Glu180Ala). This variant is present in population databases (rs779906361, gnomAD 0.003%). This variant has not been reported in the literature in individuals affected with HCN4-related conditions. ClinVar contains an entry for this variant (Variation ID: 1016325). Advanced modeling of protein sequence and biophysical properties (such as structural, functional, and spatial information, amino acid conservation, physicochemical variation, residue mobility, and thermodynamic stability) performed at Invitae indicates that this missense variant is not expected to disrupt HCN4 protein function. In summary, the available evidence is currently insufficient to determine the role of this variant in disease. Therefore, it has been classified as a Variant of Uncertain Significance.